The following is an entry in ClinVar:

NM_001267550.2(TTN):c.98022C>A (p.Arg32674=)

Genes: TTN (titin; minus strand), TTN-AS1 (TTN antisense RNA 1; plus strand). Cytogenetic location: 2q31.2.
Variant type: single nucleotide variant.
Coding change: c.98022C>A on transcript NM_001267550.2 (MANE Select); coding-DNA position 98022, C replaced by A.
Protein change: p.Arg32674=; no amino-acid change (arginine 32674 retained).
Molecular consequence: synonymous variant. On other transcripts: non-coding transcript variant (1).
Genome position (GRCh38, 1-based): chr2:178,540,144, G>T on the plus strand (C>A on the coding strand, the complement: TTN is on the minus strand). VCF-style: chr2-178540144-G-T. GRCh37 (hg19) VCF-style: chr2-179404871-G-T.
Other names: c.93099C>A, p.Arg31033= (NM_001256850.1); c.70827C>A, p.Arg23609= (NM_003319.4); c.90318C>A, p.Arg30106= (NM_133378.4); c.71202C>A, p.Arg23734= (NM_133432.3); c.71403C>A, p.Arg23801= (NM_133437.4).
Identifiers: ClinVar variation 5039907 (VCV005039907.1).

ClinVar aggregate classification (germline): Likely benign (1 of 4 stars; one submission).

Submission:

CeGaT Center for Human Genetics Tuebingen
Classification: Likely benign. Last evaluated: 2026-07-01. Review status: criteria provided, single submitter. Criteria: CeGaT Center For Human Genetics Tuebingen Variant Classification Criteria Version 2. Collection method: clinical testing. Allele origin: germline. Affected: yes. Observed: 1 variant allele.
Comment: TTN: PM2:Supporting, BP4, BP7